The following is an entry in ClinVar:

ClinVar aggregate classification (germline): Uncertain significance. Review status: criteria provided, multiple submitters, no conflicts (2 of 4 stars). 7 submissions from 7 submitters: Uncertain significance (7). Last evaluated 2026-07-21.

Conditions:
Developmental and epileptic encephalopathy, 18 (DEE18). Also called: Early infantile epileptic encephalopathy 18. Identifiers: Orphanet 369894, MedGen C3809624, MONDO:0014201, OMIM 615476.
Inborn genetic diseases. Identifiers: MedGen C0950123, MeSH D030342.

Allele frequency attached by ClinVar (database versions not stated): ESP Exome Variant Server 0.00015; gnomAD 0.00019 and 0.00025; gnomAD exomes 0.00036 and 0.00028; ExAC 0.00060; TOPMed 0.00033.
gnomAD v4.1: 431 of 1,614,048 alleles (0.027%); highest among the groups gnomAD compares: Non-Finnish European, 0.031%; no homozygotes.

Submissions (7):

Ambry Genetics
Classification: Uncertain significance for Inborn genetic diseases. Last evaluated: 2026-07-21. Review status: criteria provided, single submitter. Criteria: Ambry Variant Classification Scheme 2023. Collection method: clinical testing. Allele origin: germline.
Comment: The c.2888A>G (p.K963R) alteration is located in exon 20 (coding exon 20) of the SZT2 gene. This alteration results from a A to G substitution at nucleotide position 2888, causing the lysine (K) at amino acid position 963 to be replaced by an arginine (R). Based on data from gnomAD, the G allele has an overall frequency of 0.034% (97/282858) total alleles studied. The highest observed frequency was 0.061% (79/129186) of European (non-Finnish) alleles. Based on insufficient or conflicting evidence, the clinical significance of this alteration remains unclear.

Labcorp Genetics (formerly Invitae), Labcorp
Classification: Uncertain significance. Last evaluated: 2025-01-13. Review status: criteria provided, single submitter. Criteria: Invitae Variant Classification Sherloc (09022015). Collection method: clinical testing. Allele origin: germline.
Comment: This sequence change replaces lysine, which is basic and polar, with arginine, which is basic and polar, at codon 963 of the SZT2 protein (p.Lys963Arg). This variant is present in population databases (rs144176855, gnomAD 0.06%). This variant has not been reported in the literature in individuals affected with SZT2-related conditions. ClinVar contains an entry for this variant (Variation ID: 411928). Invitae Evidence Modeling of protein sequence and biophysical properties (such as structural, functional, and spatial information, amino acid conservation, physicochemical variation, residue mobility, and thermodynamic stability) has been performed for this missense variant. However, the output from this modeling did not meet the statistical confidence thresholds required to predict the impact of this variant on SZT2 protein function. In summary, the available evidence is currently insufficient to determine the role of this variant in disease. Therefore, it has been classified as a Variant of Uncertain Significance.

Blueprint Genetics
Classification: Uncertain significance. Last evaluated: 2024-11-04. Review status: criteria provided, single submitter. Criteria: ACMG Guidelines, 2015. Collection method: clinical testing. Allele origin: germline.

Women's Health and Genetics/Laboratory Corporation of America, LabCorp
Classification: Uncertain significance. Last evaluated: 2023-04-21. Review status: criteria provided, single submitter. Criteria: LabCorp Variant Classification Summary - May 2015. Collection method: clinical testing. Allele origin: germline.
Comment: Variant summary: C1orf84 c.2888A>G (p.Lys963Arg) results in a conservative amino acid change in the encoded protein sequence. Five of five in-silico tools predict a benign effect of the variant on protein function. The variant allele was found at a frequency of 0.00034 in 282858 control chromosomes (gnomAD). To our knowledge, no occurrence of c.2888A>G in individuals affected with Early Infantile Epileptic Encephalopathy 18 and no experimental evidence demonstrating its impact on protein function have been reported. Three clinical diagnostic laboratories have submitted clinical-significance assessments for this variant to ClinVar after 2014 and all classified the variant as uncertain significance. Based on the evidence outlined above, the variant was classified as uncertain significance.

Genome-Nilou Lab
Classification: Uncertain significance for Developmental and epileptic encephalopathy, 18. Last evaluated: 2023-04-11. Review status: criteria provided, single submitter. Criteria: ACMG Guidelines, 2015. Collection method: clinical testing. Allele origin: germline. Affected: no.

Athena Diagnostics
Classification: Uncertain significance. Last evaluated: 2017-09-26. Review status: criteria provided, single submitter. Criteria: Athena Diagnostics Criteria. Collection method: clinical testing. Allele origin: germline.

Breakthrough Genomics
Classification: Uncertain significance. Review status: criteria provided, single submitter. Criteria: ACMG Guidelines, 2015. Collection method: not provided. Allele origin: germline. Inheritance: Autosomal recessive inheritance. Affected: yes.

NM_001365999.1(SZT2):c.2888A>G (p.Lys963Arg)

Gene: SZT2 (SZT2 subunit of KICSTOR complex; plus strand). Cytogenetic location: 1p34.2.
Variant type: single nucleotide variant.
Coding change: c.2888A>G on transcript NM_001365999.1 (MANE Select); coding-DNA position 2888, A replaced by G.
Protein change: p.Lys963Arg; replaces lysine 963 with arginine.
Molecular consequence: missense variant.
Genome position (GRCh38, 1-based): chr1:43,425,908, A>G. VCF-style: chr1-43425908-A-G. GRCh37 (hg19) VCF-style: chr1-43891579-A-G.
Other names: c.2888A>G, p.Lys963Arg (NM_015284.4); short protein forms K963R.
Identifiers: ClinVar variation 411928 (VCV000411928.15), dbSNP rs144176855, ClinGen allele CA808838.